The following is an entry in ClinVar:

ClinVar aggregate classification (germline): Pathogenic. Review status: reviewed by expert panel (3 of 4 stars). 5 submissions from 5 submitters: Pathogenic (1). 4 of the submissions do not count toward it. Last evaluated 2025-01-15.

Conditions:
Hereditary thrombocytopenia and hematologic cancer predisposition syndrome. Identifiers: Orphanet 71290, MedGen CN281654, MONDO:0011071.
Hereditary thrombocytopenia and hematological cancer predisposition syndrome associated with RUNX1. Also called: Familial Platelet Disorder with Propensity to Acute Myelogenous Leukemia; Familial thrombocytopenia with propensity to acute myelogenous leukemia; PLATELET DISORDER, ASPIRIN-LIKE; RUNX1 Familial Platelet Disorder with Associated Myeloid Malignancies. Identifiers: Orphanet 71290, MedGen C1832388, MeSH C563324, MONDO:0100083, OMIM 601399.
RUNX1-related disorder. Also called: RUNX1-related condition.

Submissions (6):

ClinGen Myeloid Malignancy Variant Curation Expert Panel
Classification: Pathogenic for Hereditary thrombocytopenia and hematologic cancer predisposition syndrome. Last evaluated: 2025-01-15. Review status: reviewed by expert panel. Criteria: ClinGen MyeloMalig ACMG Specifications v2. Collection method: curation. Allele origin: germline. Inheritance: Autosomal dominant inheritance.
Comment: NM_001754.5(RUNX1):c.806-1G>A is a canonical splice site mutation predicted to disrupt exon 8 acceptor splice site recognition. According to the SpliceAI prediction, the acceptor loss is 0.98 at -1 bp, and the acceptor gain is 0.53 at -8 bp. This variant is predicted to result in exon 8 skipping, causing an in-frame deletion of Δ270-323 and D269A (GAT-GCG), leading to a deletion in TAD (PVS1_Strong and PS3_Moderate). Additionally, the variant is completely absent from all population databases (gnomAD v2.1.1, v3.1.2, and gnomAD v4.0.0) with at least 20x coverage for RUNX1 (PM2_supporting). This variant has been reported in 2 families in the RUNX1 Natural History Study, with 3 documented segregations in total (PS4_Moderate, PP1). In summary, this variant meets criteria to be classified as pathogenic. ACMG/AMP criteria applied, as specified by the Myeloid Malignancy Variant Curation Expert Panel for RUNX1: PVS1_Strong, PM2_supporting, PS3_Moderate, PS4_Moderate, PP1.

Mayo Clinic Laboratories, Mayo Clinic
Classification: Likely pathogenic. Last evaluated: 2025-05-06. Review status: criteria provided, single submitter. Criteria: ACMG Guidelines, 2015. Collection method: clinical testing. Allele origin: germline. Observed: 1 variant allele. Not counted in ClinVar's aggregate classification.
Comment: PP5, PM2_supporting, PVS1_strong

GeneDx
Classification: Likely pathogenic. Last evaluated: 2024-05-13. Review status: criteria provided, single submitter. Criteria: GeneDx Variant Classification Process June 2021. Collection method: clinical testing. Allele origin: germline. Affected: yes. Not counted in ClinVar's aggregate classification.
Comment: Canonical splice site variant predicted to result in an in-frame loss of the adjacent exon in a gene for which loss of function is a known mechanism of disease; Not observed at significant frequency in large population cohorts (gnomAD); Has not been previously published as pathogenic or benign to our knowledge

Labcorp Genetics (formerly Invitae), Labcorp
Classification: Likely pathogenic for Hereditary thrombocytopenia and hematological cancer predisposition syndrome associated with RUNX1. Last evaluated: 2022-09-13. Review status: criteria provided, single submitter. Criteria: Invitae Variant Classification Sherloc (09022015). Collection method: clinical testing. Allele origin: germline. Not counted in ClinVar's aggregate classification.
Comment: This variant has not been reported in the literature in individuals affected with RUNX1-related conditions. In summary, the currently available evidence indicates that the variant is pathogenic, but additional data are needed to prove that conclusively. Therefore, this variant has been classified as Likely Pathogenic. Algorithms developed to predict the effect of sequence changes on RNA splicing suggest that this variant may disrupt the consensus splice site. This variant is not present in population databases (gnomAD no frequency). This sequence change affects an acceptor splice site in intron 7 of the RUNX1 gene. It is expected to disrupt RNA splicing. Variants that disrupt the donor or acceptor splice site typically lead to a loss of protein function (PMID: 16199547), and loss-of-function variants in RUNX1 are known to be pathogenic (PMID: 18723428, 24100448).

Blueprint Genetics
Classification: Likely pathogenic for RUNX1-related disorders. Last evaluated: 2020-04-01. Review status: criteria provided, single submitter. Criteria: ACMG Guidelines, 2015. Collection method: clinical testing. Allele origin: germline. Affected: yes. Observed: 1 variant allele. Not counted in ClinVar's aggregate classification.

Dr. Peter K. Rogan Lab, Western University
No classification provided (evidence only). Condition: Cervical cancer. Review status: no classification provided. Collection method: in vitro. Allele origin: not applicable. Functional consequence: retained intron. Not counted in ClinVar's aggregate classification.

Literature cited by the submitters: PubMed 39725148 (cited by Mayo Clinic Laboratories, Mayo Clinic); PubMed 16199547 (cited by Labcorp Genetics (formerly Invitae), Labcorp); PubMed 18723428 (cited by Labcorp Genetics (formerly Invitae), Labcorp); PubMed 24100448 (cited by Labcorp Genetics (formerly Invitae), Labcorp).

NM_001754.5(RUNX1):c.806-1G>A

Gene: RUNX1 (RUNX family transcription factor 1; minus strand). Cytogenetic location: 21q22.12.
Variant type: single nucleotide variant.
Coding change: c.806-1G>A on transcript NM_001754.5 (MANE Select); the canonical splice acceptor site of the intron before coding-DNA position 806, G replaced by A.
Molecular consequence: splice acceptor variant.
Genome position (GRCh38, 1-based): chr21:34,799,463, C>T on the plus strand (G>A on the coding strand, the complement: RUNX1 is on the minus strand). VCF-style: chr21-34799463-C-T. GRCh37 (hg19) VCF-style: chr21-36171760-C-T.
Other names: p.?; c.725-1G>A (NM_001001890.3); c.806-1G>A (NM_001754.4).
Identifiers: ClinVar variation 2094507 (VCV002094507.9), dbSNP rs2145910195, ClinGen allele CA410150422.
Genomic context (GRCh38, chr21:34,799,463, plus strand): 5'-CCAGGTATTGGTAGGACTGATCGTAGGACCACGGTGGGGATGGTTGGATCTGCCTTGTAT[C>T]TGAAGAGAATCAGAAAGGTCAATTATATGTAAAGTGGGGTGGGATTTAAAAAATGTCTTT-3'